The following is an entry in ClinVar:

NM_004281.4(BAG3):c.368G>A (p.Arg123Gln)

Gene: BAG3 (BAG cochaperone 3; plus strand). Cytogenetic location: 10q26.11.
Variant type: single nucleotide variant.
Coding change: c.368G>A on transcript NM_004281.4 (MANE Select); coding-DNA position 368, G replaced by A.
Protein change: p.Arg123Gln; replaces arginine 123 with glutamine.
Molecular consequence: missense variant.
Genome position (GRCh38, 1-based): chr10:119,670,038, G>A. VCF-style: chr10-119670038-G-A. GRCh37 (hg19) VCF-style: chr10-121429550-G-A.
Other names: short protein forms R123Q.
Identifiers: ClinVar variation 191606 (VCV000191606.14), dbSNP rs199991063, ClinGen allele CA237043.

ClinVar aggregate classification (germline): Conflicting classifications of pathogenicity. Review status: criteria provided, conflicting classifications (1 of 4 stars). 6 submissions from 6 submitters: Uncertain significance (5); Likely benign (1). Last evaluated 2026-02-26.

Conditions:
Cardiovascular phenotype. Identifiers: MedGen CN230736.
Dilated cardiomyopathy 1HH (CMD1HH). Identifiers: Orphanet 154, MedGen C3151293, MONDO:0013479, OMIM 613881.
Myofibrillar myopathy 6. Identifiers: Orphanet 199340, MedGen C2751831, MONDO:0013061, OMIM 612954.

Allele frequency attached by ClinVar (database versions not stated): gnomAD 0.00001; ExAC 0.00002; gnomAD exomes 0.00003 and 0.00008; TOPMed 0.00003; ESP Exome Variant Server 0.00008.
gnomAD v4.1: 115 of 1,614,084 alleles (0.0071%); highest among the groups gnomAD compares: Non-Finnish European, 0.0095%; no homozygotes.

Submissions (6):

GeneDx
Classification: Uncertain significance. Last evaluated: 2026-02-26. Review status: criteria provided, single submitter. Criteria: GeneDx Variant Classification Process June 2021. Collection method: clinical testing. Allele origin: germline.
Comment: Has been reported in a child with myocarditis and AV block who also carried another variant in the BAG3 gene (PMID: 28359509); In silico analysis suggests that this missense variant does not alter protein structure/function; This variant is associated with the following publications: (PMID: 28359509)

Labcorp Genetics (formerly Invitae), Labcorp
Classification: Uncertain significance for Dilated cardiomyopathy 1HH; Myofibrillar myopathy 6. Last evaluated: 2025-10-29. Review status: criteria provided, single submitter. Criteria: Invitae Variant Classification Sherloc (09022015). Collection method: clinical testing. Allele origin: germline.
Comment: This sequence change replaces arginine, which is basic and polar, with glutamine, which is neutral and polar, at codon 123 of the BAG3 protein (p.Arg123Gln). This variant is present in population databases (rs199991063, gnomAD 0.006%). This missense change has been observed in individual(s) with acute myocarditis (PMID: 28359509). ClinVar contains an entry for this variant (Variation ID: 191606). Invitae Evidence Modeling of protein sequence and biophysical properties (such as structural, functional, and spatial information, amino acid conservation, physicochemical variation, residue mobility, and thermodynamic stability) indicates that this missense variant is not expected to disrupt BAG3 protein function with a negative predictive value of 80%. In summary, the available evidence is currently insufficient to determine the role of this variant in disease. Therefore, it has been classified as a Variant of Uncertain Significance.

Ambry Genetics
Classification: Uncertain significance for Cardiovascular phenotype. Last evaluated: 2024-05-08. Review status: criteria provided, single submitter. Criteria: Ambry Variant Classification Scheme 2023. Collection method: clinical testing. Allele origin: germline.
Comment: The p.R123Q variant (also known as c.368G>A), located in coding exon 2 of the BAG3 gene, results from a G to A substitution at nucleotide position 368. The arginine at codon 123 is replaced by glutamine, an amino acid with highly similar properties. This variant was identified in an individual with acute myocarditis and a second BAG3 variant confirmed in trans (Belkaya S et al. J. Am. Coll. Cardiol., 2017 Apr;69:1653-1665). This amino acid position is not well conserved in available vertebrate species. In addition, this alteration is predicted to be tolerated by in silico analysis. Based on the available evidence, the clinical significance of this variant remains unclear.

Blueprint Genetics
Classification: Likely benign. Last evaluated: 2023-07-04. Review status: criteria provided, single submitter. Criteria: ACMG Guidelines, 2015. Collection method: clinical testing. Allele origin: germline.

Fulgent Genetics
Classification: Uncertain significance for Myofibrillar myopathy 6; Dilated cardiomyopathy 1HH. Last evaluated: 2021-08-17. Review status: criteria provided, single submitter. Criteria: ACMG Guidelines, 2015. Collection method: clinical testing. Allele origin: unknown.

Biesecker Lab/Clinical Genomics Section, National Institutes of Health
Classification: Uncertain significance. Last evaluated: 2013-06-24. Review status: criteria provided, single submitter. Criteria: Ng et al. (Circ Cardiovasc Genet. 2013). Collection method: research. Allele origin: unknown. Observed: 1 variant allele. Study: ClinSeq.
Comment: The study set was not selected for affection status in relation to any cancer. Pathogenicity categories were based on literature curation. See Pubmed ID:23861362 for details.

Medical sequencing

Literature cited by the submitters: PubMed 28359509 (cited by Labcorp Genetics (formerly Invitae), Labcorp and Ambry Genetics); PubMed 23861362 (cited by Ambry Genetics).